The following is an entry in ClinVar:

NM_152564.5(VPS13B):c.11230A>G (p.Ile3744Val)

Gene: VPS13B (vacuolar protein sorting 13 homolog B; plus strand). Cytogenetic location: 8q22.2.
Variant type: single nucleotide variant.
Coding change: c.11230A>G on transcript NM_152564.5 (MANE Select); coding-DNA position 11230, A replaced by G.
Protein change: p.Ile3744Val; replaces isoleucine 3744 with valine.
Molecular consequence: missense variant.
Genome position (GRCh38, 1-based): chr8:99,868,303, A>G. VCF-style: chr8-99868303-A-G. GRCh37 (hg19) VCF-style: chr8-100880531-A-G.
Other names: c.11305A>G, p.Ile3769Val (NM_017890.5); short protein forms I3744V, I3769V.
Identifiers: ClinVar variation 1720684 (VCV001720684.6), dbSNP rs2492346438, ClinGen allele CA371791745.
Genomic context (GRCh38, chr8:99,868,303, plus strand): 5'-GAGGATTTTAAGCCTCTGTCCTTACTGAGGGCTTTTGTTATTCCAGGTGCAATTGCTGGT[A>G]TAGTTGATCAGCCGATGCAGAACTTCCAGAAAACATCTGAGGCACAGGCTTCAGCAGGAC-3'
Protein context (NP_689777.3, residues 3734-3754): GISLLGAIAG[Ile3744Val]VDQPMQNFQK

ClinVar aggregate classification (germline): Uncertain significance. Review status: criteria provided, multiple submitters, no conflicts (2 of 4 stars). 2 submissions from 2 submitters: Uncertain significance (2). Last evaluated 2025-10-06.

Conditions:
Cohen syndrome (COH1). Also called: PEPPER SYNDROME; Cutis verticis gyrata, retinitis pigmentosa, and sensorineural deafness. Identifiers: Orphanet 193, MedGen C0265223, MONDO:0008999, OMIM 216550.
VPS13B-related disorder. Also called: VPS13B-related condition.

Allele frequency attached by ClinVar (database versions not stated): gnomAD exomes below 0.00001.
gnomAD v4.1: 1 of 1,614,164 alleles (0.000062%); highest among the groups gnomAD compares: African/African-American, 0.0013%; no homozygotes.

Submissions (2):

PreventionGenetics, part of Exact Sciences
Classification: Uncertain significance for VPS13B-related condition. Last evaluated: 2025-10-06. Review status: criteria provided, single submitter. Criteria: ACMG Guidelines, 2015. Collection method: clinical testing. Allele origin: germline.
Comment: The VPS13B c.11230A>G variant is predicted to result in the amino acid substitution p.Ile3744Val. To our knowledge, this variant has not been reported in the literature or in a large population database (gnomAD), indicating this variant is rare. At this time, the clinical significance of this variant is uncertain due to the absence of conclusive functional and genetic evidence.

Labcorp Genetics (formerly Invitae), Labcorp
Classification: Uncertain significance for Cohen syndrome. Last evaluated: 2022-09-29. Review status: criteria provided, single submitter. Criteria: Invitae Variant Classification Sherloc (09022015). Collection method: clinical testing. Allele origin: germline.
Comment: This variant is not present in population databases (gnomAD no frequency). Advanced modeling of protein sequence and biophysical properties (such as structural, functional, and spatial information, amino acid conservation, physicochemical variation, residue mobility, and thermodynamic stability) has been performed at Invitae for this missense variant, however the output from this modeling did not meet the statistical confidence thresholds required to predict the impact of this variant on VPS13B protein function. This variant has not been reported in the literature in individuals affected with VPS13B-related conditions. This sequence change replaces isoleucine, which is neutral and non-polar, with valine, which is neutral and non-polar, at codon 3769 of the VPS13B protein (p.Ile3769Val). In summary, the available evidence is currently insufficient to determine the role of this variant in disease. Therefore, it has been classified as a Variant of Uncertain Significance.